The following is an entry in ClinVar:

NM_004115.4(FGF14):c.608-10C>T

Gene: FGF14 (fibroblast growth factor 14; minus strand). Cytogenetic location: 13q33.1.
Variant type: single nucleotide variant.
Coding change: c.608-10C>T on transcript NM_004115.4 (MANE Select); 10 bases into the intron before coding-DNA position 608, C replaced by T.
Molecular consequence: intron variant.
Genome position (GRCh38, 1-based): chr13:101,722,977, G>A on the plus strand (C>T on the coding strand, the complement: FGF14 is on the minus strand). VCF-style: chr13-101722977-G-A. GRCh37 (hg19) VCF-style: chr13-102375327-G-A.
Other names: p.?; c.467-10C>T (NM_001321947.2); c.506-10C>T (NM_001379342.1, NM_001321948.2, NM_001321945.2); c.356-10C>T (NM_001321946.2, NM_001321949.1, NM_001321943.1 and 4 more transcripts); c.428-10C>T (NM_001321938.2, NM_001321940.1, NM_001321933.1); c.512-10C>T (NM_001321939.2); c.623-10C>T (NM_175929.3); c.422-10C>T (NM_001321941.2); and 1 more.
Identifiers: ClinVar variation 310898 (VCV000310898.11), dbSNP rs574476283, ClinGen allele CA7037114.

ClinVar aggregate classification (germline): Benign. Review status: criteria provided, multiple submitters, no conflicts (2 of 4 stars). 3 submissions from 3 submitters: Benign (3). Last evaluated 2025-10-09.

Conditions:
Spinocerebellar ataxia type 27 (SCA27). Identifiers: Orphanet 98764, MedGen C1836383, MONDO:0012247.

Allele frequency attached by ClinVar (database versions not stated): gnomAD 0.00001 and 0.00046; TOPMed 0.00008; gnomAD exomes 0.00093 and 0.00178; ExAC 0.00209; 1000 Genomes Project 30x 0.00234; 1000 Genomes Project 0.00260.
gnomAD v4.1: 1,407 of 1,612,846 alleles (0.087%); highest among the groups gnomAD compares: South Asian, 1.5%; 18 homozygotes.

Submissions (3):

Labcorp Genetics (formerly Invitae), Labcorp
Classification: Benign. Last evaluated: 2025-10-09. Review status: criteria provided, single submitter. Criteria: Invitae Variant Classification Sherloc (09022015). Collection method: clinical testing. Allele origin: germline.

Mayo Clinic Laboratories, Mayo Clinic
Classification: Benign. Last evaluated: 2024-12-26. Review status: criteria provided, single submitter. Criteria: ACMG Guidelines, 2015. Collection method: clinical testing. Allele origin: germline. Observed: 1 variant allele.
Comment: BS1, BS2, BP4, BP7

Illumina Laboratory Services, Illumina
Classification: Benign for Spinocerebellar ataxia 27A. Last evaluated: 2018-01-12. Review status: criteria provided, single submitter. Criteria: ICSL Variant Classification Criteria 13 December 2019. Collection method: clinical testing. Allele origin: germline.
Comment: This variant was observed in the ICSL laboratory as part of a predisposition screen in an ostensibly healthy population. It had not been previously curated by ICSL or reported in the Human Gene Mutation Database (HGMD: prior to June 1st, 2018), and was therefore a candidate for classification through an automated scoring system. Utilizing variant allele frequency, disease prevalence and penetrance estimates, and inheritance mode, an automated score was calculated to assess if this variant is too frequent to cause the disease. Based on the score and internal cut-off values, a variant classified as benign is not then subjected to further curation. The score for this variant resulted in a classification of benign for this disease.